The following is an entry in ClinVar:

NC_000003.11:g.(?_154798107)_(154802884_154832782)del

Gene: MME (membrane metalloendopeptidase; plus strand). Cytogenetic location: 3q25.2.
Variant type: Deletion.
Identifiers: ClinVar variation 3233785 (VCV003233785.2).

ClinVar aggregate classification (germline): Pathogenic (1 of 4 stars; one submission).

Conditions:
Charcot-Marie-Tooth disease axonal type 2T. Identifiers: Orphanet 443950, MedGen C4015635, OMIM 617017, MONDO:0014866.

Submission:

Women's Health and Genetics/Laboratory Corporation of America, LabCorp
Classification: Pathogenic for Charcot-Marie-Tooth disease axonal type 2T. Last evaluated: 2024-03-25. Review status: criteria provided, single submitter. Criteria: LabCorp Variant Classification Summary - May 2015. Collection method: clinical testing. Allele origin: germline.
Comment: Variant summary: The variant involves the deletion of exons 1-3 in the MME gene. A presumed nomenclature of c.(?_-159)_(196+1_197-1)del has been designated for the purposes of this classification. The exact breakpoint at the 5' end of this variant is unknown, therefore this deletion may extend upstream of the annotated region of this gene. Although the exact breakpoints of this deletion are not known, it is predicted to remove the initiation codon and result in an absence of protein or a truncation of the encoded protein due to translation initiation at a downstream site. The variant allele was found at a frequency of 4.6e-05 in 21648 control chromosomes in the gnomAD database (Structural Variants v2.1 dataset). To our knowledge, no occurrence of c.(?_-159)_(196+1_197-1)del in individuals affected with Charcot-Marie Disease Axonal Type 2T and no experimental evidence demonstrating its impact on protein function have been reported. No submitters have cited clinical-significance assessments for this variant to ClinVar. Based on the evidence outlined above, the variant was classified as pathogenic.